The following is an entry in ClinVar:

NM_000751.3(CHRND):c.389A>G (p.Asn130Ser)

Gene: CHRND (cholinergic receptor nicotinic delta subunit; plus strand). Cytogenetic location: 2q37.1.
Variant type: single nucleotide variant.
Coding change: c.389A>G on transcript NM_000751.3 (MANE Select); coding-DNA position 389, A replaced by G.
Protein change: p.Asn130Ser; replaces asparagine 130 with serine.
Molecular consequence: missense variant.
Genome position (GRCh38, 1-based): chr2:232,528,536, A>G. VCF-style: chr2-232528536-A-G. GRCh37 (hg19) VCF-style: chr2-233393246-A-G.
Other names: c.344A>G, p.Asn115Ser (NM_001256657.2); c.118A>G, p.Thr40Ala (NM_001311195.2); c.86A>G, p.Asn29Ser (NM_001311196.2); short protein forms N130S, N115S, N29S, T40A.
Identifiers: ClinVar variation 466193 (VCV000466193.8), dbSNP rs1553574327, ClinGen allele CA350997876.

ClinVar aggregate classification (germline): Uncertain significance (1 of 4 stars; one submission).

Conditions:
Lethal multiple pterygium syndrome (LMPS). Identifiers: Orphanet 33108, MedGen C1854678, MONDO:0009668, OMIM 253290.

Submission:

Labcorp Genetics (formerly Invitae), Labcorp
Classification: Uncertain significance for Lethal multiple pterygium syndrome. Last evaluated: 2022-08-09. Review status: criteria provided, single submitter. Criteria: Invitae Variant Classification Sherloc (09022015). Collection method: clinical testing. Allele origin: germline.
Comment: ClinVar contains an entry for this variant (Variation ID: 466193). This variant has not been reported in the literature in individuals affected with CHRND-related conditions. This variant is not present in population databases (gnomAD no frequency). This sequence change replaces asparagine, which is neutral and polar, with serine, which is neutral and polar, at codon 130 of the CHRND protein (p.Asn130Ser). This variant disrupts the p.Asn130 amino acid residue in CHRND. Other variant(s) that disrupt this residue have been determined to be pathogenic (PMID: 28024842; Invitae). This suggests that this residue is clinically significant, and that variants that disrupt this residue are likely to be disease-causing. In summary, the available evidence is currently insufficient to determine the role of this variant in disease. Therefore, it has been classified as a Variant of Uncertain Significance. Algorithms developed to predict the effect of sequence changes on RNA splicing suggest that this variant may create or strengthen a splice site. Algorithms developed to predict the effect of missense changes on protein structure and function are either unavailable or do not agree on the potential impact of this missense change (SIFT: "Deleterious"; PolyPhen-2: "Probably Damaging"; Align-GVGD: "Class C0").

Literature cited by the submitters: PubMed 28024842.